The following is an entry in ClinVar:

NM_016219.5(MAN1B1):c.1765-5C>A

Gene: MAN1B1 (mannosidase alpha class 1B member 1; plus strand). Cytogenetic location: 9q34.3.
Variant type: single nucleotide variant.
Coding change: c.1765-5C>A on transcript NM_016219.5 (MANE Select); 5 bases into the intron before coding-DNA position 1765, C replaced by A.
Molecular consequence: intron variant.
Genome position (GRCh38, 1-based): chr9:137,107,526, C>A. VCF-style: chr9-137107526-C-A. GRCh37 (hg19) VCF-style: chr9-140001978-C-A.
Other names: p.?.
Identifiers: ClinVar variation 129573 (VCV000129573.29), dbSNP rs12115325, ClinGen allele CA153652.

ClinVar aggregate classification (germline): Benign. Review status: criteria provided, multiple submitters, no conflicts (2 of 4 stars). 8 submissions from 8 submitters: Benign (7). 1 of the submissions does not count toward it. Last evaluated 2026-02-03.

Conditions:
Inborn genetic diseases. Identifiers: MedGen C0950123, MeSH D030342.
Rafiq syndrome (RAFQS). Identifiers: Orphanet 88616, MedGen C3280127, MONDO:0013624, OMIM 614202.

Allele frequency attached by ClinVar (database versions not stated): 1000 Genomes Project 0.17831; 1000 Genomes Project 30x 0.17895; gnomAD 0.25987 and 0.25976; gnomAD exomes 0.27727 and 0.33264; ESP Exome Variant Server 0.27879; ExAC 0.28379; TOPMed 0.25203.
gnomAD v4.1: 523,833 of 1,612,800 alleles (32%); highest among the groups gnomAD compares: Non-Finnish European, 36%; 91,324 homozygotes.

Submissions (15):

Labcorp Genetics (formerly Invitae), Labcorp
Classification: Benign for Rafiq syndrome. Last evaluated: 2026-02-03. Review status: criteria provided, single submitter. Criteria: Invitae Variant Classification Sherloc (09022015). Collection method: clinical testing. Allele origin: germline.

Genome-Nilou Lab
Classification: Benign for Rafiq syndrome. Last evaluated: 2021-09-05. Review status: criteria provided, single submitter. Criteria: ACMG Guidelines, 2015. Collection method: clinical testing. Allele origin: germline. Affected: no.

GeneDx
Classification: Benign. Last evaluated: 2018-07-27. Review status: criteria provided, single submitter. Criteria: GeneDx Variant Classification Process June 2021. Collection method: clinical testing. Allele origin: germline. Affected: yes.

Illumina Laboratory Services, Illumina
Classification: Benign for Rafiq syndrome. Last evaluated: 2018-01-12. Review status: criteria provided, single submitter. Criteria: ICSL Variant Classification Criteria 13 December 2019. Collection method: clinical testing. Allele origin: germline.
Comment: This variant was observed in the ICSL laboratory as part of a predisposition screen in an ostensibly healthy population. It had not been previously curated by ICSL or reported in the Human Gene Mutation Database (HGMD: prior to June 1st, 2018), and was therefore a candidate for classification through an automated scoring system. Utilizing variant allele frequency, disease prevalence and penetrance estimates, and inheritance mode, an automated score was calculated to assess if this variant is too frequent to cause the disease. Based on the score and internal cut-off values, a variant classified as benign is not then subjected to further curation. The score for this variant resulted in a classification of benign for this disease.

Mayo Clinic Laboratories, Mayo Clinic
Classification: Benign. Last evaluated: 2016-05-12. Review status: criteria provided, single submitter. Criteria: ACMG Guidelines, 2015. Collection method: clinical testing. Allele origin: germline. Observed: 26 variant alleles.

Ambry Genetics
Classification: Benign for Inborn genetic diseases. Last evaluated: 2016-03-19. Review status: criteria provided, single submitter. Criteria: Ambry Variant Classification Scheme 2023. Collection method: clinical testing. Allele origin: germline.

Breakthrough Genomics
Classification: Benign. Review status: criteria provided, single submitter. Criteria: ACMG Guidelines, 2015. Collection method: not provided. Allele origin: germline. Inheritance: Autosomal recessive inheritance. Affected: yes.

Dr. Peter K. Rogan Lab, Western University
No classification provided (evidence only). Condition: Familial cancer of breast. Review status: no classification provided. Collection method: in vitro. Allele origin: not applicable. Functional consequence: retained intron. Not counted in ClinVar's aggregate classification.

Dr. Peter K. Rogan Lab, Western University
No classification provided (evidence only). Condition: Familial cancer of breast. Review status: no classification provided. Collection method: in vitro. Allele origin: not applicable. Functional consequence: retained intron. Not counted in ClinVar's aggregate classification.

Dr. Peter K. Rogan Lab, Western University
No classification provided (evidence only). Condition: Malignant lymphoma, large B-cell, diffuse. Review status: no classification provided. Collection method: in vitro. Allele origin: not applicable. Functional consequence: retained intron. Not counted in ClinVar's aggregate classification.

Dr. Peter K. Rogan Lab, Western University
No classification provided (evidence only). Condition: Malignant lymphoma, large B-cell, diffuse. Review status: no classification provided. Collection method: in vitro. Allele origin: not applicable. Functional consequence: retained intron. Not counted in ClinVar's aggregate classification.

Dr. Peter K. Rogan Lab, Western University
No classification provided (evidence only). Condition: Malignant lymphoma, large B-cell, diffuse. Review status: no classification provided. Collection method: in vitro. Allele origin: not applicable. Functional consequence: retained intron. Not counted in ClinVar's aggregate classification.

Dr. Peter K. Rogan Lab, Western University
No classification provided (evidence only). Condition: Malignant lymphoma, large B-cell, diffuse. Review status: no classification provided. Collection method: in vitro. Allele origin: not applicable. Functional consequence: retained intron. Not counted in ClinVar's aggregate classification.

Dr. Peter K. Rogan Lab, Western University
No classification provided (evidence only). Condition: Hepatocellular carcinoma. Review status: no classification provided. Collection method: in vitro. Allele origin: not applicable. Functional consequence: retained intron. Not counted in ClinVar's aggregate classification.

Genetic Services Laboratory, University of Chicago
Classification: Likely benign for AllHighlyPenetrant. Review status: no assertion criteria provided. Collection method: clinical testing. Allele origin: germline. Inheritance: Autosomal recessive inheritance. Not counted in ClinVar's aggregate classification.
Comment: Likely benign based on allele frequency in 1000 Genomes Project or ESP global frequency and its presence in a patient with a rare or unrelated disease phenotype. NOT Sanger confirmed.